The following is an entry in ClinVar:

NM_004360.5(CDH1):c.398C>G (p.Ser133Cys)

Gene: CDH1 (cadherin 1; plus strand). Cytogenetic location: 16q22.1.
Variant type: single nucleotide variant.
Coding change: c.398C>G on transcript NM_004360.5 (MANE Select); coding-DNA position 398, C replaced by G.
Protein change: p.Ser133Cys; replaces serine 133 with cysteine.
Molecular consequence: missense variant. On other transcripts: 5 prime UTR variant (2).
Genome position (GRCh38, 1-based): chr16:68,808,434, C>G. VCF-style: chr16-68808434-C-G. GRCh37 (hg19) VCF-style: chr16-68842337-C-G.
Other names: c.398C>G, p.Ser133Cys (NM_001317184.2); c.-1218C>G (NM_001317185.2); c.-1422C>G (NM_001317186.2); short protein forms S133C.
Identifiers: ClinVar variation 5033975 (VCV005033975.1).

ClinVar aggregate classification (germline): Uncertain significance (1 of 4 stars; one submission).

Conditions:
Hereditary cancer-predisposing syndrome. Also called: Neoplastic Syndromes, Hereditary; Tumor predisposition; Hereditary neoplastic syndrome; Hereditary Cancer Syndrome. Identifiers: Orphanet 140162, MedGen C0027672, MeSH D009386, MONDO:0015356.

Submission:

Ambry Genetics
Classification: Uncertain significance for Hereditary cancer-predisposing syndrome. Last evaluated: 2026-07-07. Review status: criteria provided, single submitter. Criteria: Ambry Variant Classification Scheme 2023. Collection method: clinical testing. Allele origin: germline.
Comment: The p.S133C variant (also known as c.398C>G), located in coding exon 4 of the CDH1 gene, results from a C to G substitution at nucleotide position 398. The serine at codon 133 is replaced by cysteine, an amino acid with dissimilar properties. This amino acid position is conserved. In addition, this alteration is predicted to be tolerated by in silico analysis. Based on the available evidence, the clinical significance of this variant remains unclear.